The following is an entry in ClinVar:

ClinVar aggregate classification (germline): Uncertain significance (1 of 4 stars; one submission).

gnomAD v4.1: 5 of 1,613,818 alleles (0.00031%); highest among the groups gnomAD compares: African/African-American, 0.0067%; no homozygotes.

Submission:

GeneDx
Classification: Uncertain significance. Last evaluated: 2024-01-12. Review status: criteria provided, single submitter. Criteria: GeneDx Variant Classification Process June 2021. Collection method: clinical testing. Allele origin: germline. Affected: yes.
Comment: Not observed at significant frequency in large population cohorts (gnomAD); In silico analysis supports that this missense variant has a deleterious effect on protein structure/function; Has not been previously published as pathogenic or benign to our knowledge

NM_001040436.3(YARS2):c.974C>A (p.Pro325His)

Gene: YARS2 (tyrosyl-tRNA synthetase 2; minus strand). Cytogenetic location: 12p11.21.
Variant type: single nucleotide variant.
Coding change: c.974C>A on transcript NM_001040436.3 (MANE Select); coding-DNA position 974, C replaced by A.
Protein change: p.Pro325His; replaces proline 325 with histidine.
Molecular consequence: missense variant.
Genome position (GRCh38, 1-based): chr12:32,750,848, G>T on the plus strand (C>A on the coding strand, the complement: YARS2 is on the minus strand). VCF-style: chr12-32750848-G-T. GRCh37 (hg19) VCF-style: chr12-32903782-G-T.
Other names: short protein forms P325H.
Identifiers: ClinVar variation 3367837 (VCV003367837.1).
Genomic context (GRCh38, chr12:32,750,848, plus strand): 5'-GGACCCCGCCTTTCTGGCTCTTTGACATGCAGCTGCATGATATGATCAATCTCTGGAAGG[G>T]GCAGGAAAGTGAACAGCTTCAGGTACCTTTGAGACAAAAAATAAAGAGTTACACTTATAT-3'
Protein context (NP_001035526.1, residues 315-335): ERYLKLFTFL[Pro325His]LPEIDHIMQL